The following is an entry in ClinVar:

NM_000243.3(MEFV):c.2068G>A (p.Val690Met)

Genes: MEFV (MEFV innate immunity regulator, pyrin; minus strand), LOC126862264 (CDK7 strongly-dependent group 2 enhancer GRCh37_chr16:3293322-3294521; plus strand). Cytogenetic location: 16p13.3.
Variant type: single nucleotide variant.
Coding change: c.2068G>A on transcript NM_000243.3 (MANE Select); coding-DNA position 2068, G replaced by A.
Protein change: p.Val690Met; replaces valine 690 with methionine.
Molecular consequence: missense variant. On other transcripts: 3 prime UTR variant (1).
Genome position (GRCh38, 1-based): chr16:3,243,419, C>T on the plus strand (G>A on the coding strand, the complement: MEFV is on the minus strand). VCF-style: chr16-3243419-C-T. GRCh37 (hg19) VCF-style: chr16-3293419-C-T.
Other names: c.*272G>A (NM_001198536.2); short protein forms V690M.
Identifiers: ClinVar variation 2898609 (VCV002898609.2), dbSNP rs1281153557, ClinGen allele CA394486276.

ClinVar aggregate classification (germline): Uncertain significance (1 of 4 stars; one submission).

Conditions:
Familial Mediterranean fever (FMF). Also called: POLYSEROSITIS, FAMILIAL PAROXYSMAL; POLYSEROSITIS, RECURRENT; Periodic peritonitis; Benign paroxysmal peritonitis. Identifiers: Orphanet 342, MedGen C0031069, MONDO:0018088, OMIM 249100. Disease mechanism: gain of function.

gnomAD v4.1: 1 of 1,614,184 alleles (0.000062%); highest among the groups gnomAD compares: Admixed American, 0.0017%; no homozygotes.

Submission:

Labcorp Genetics (formerly Invitae), Labcorp
Classification: Uncertain significance for Familial Mediterranean fever. Last evaluated: 2024-02-23. Review status: criteria provided, single submitter. Criteria: Invitae Variant Classification Sherloc (09022015). Collection method: clinical testing. Allele origin: germline.
Comment: This sequence change replaces valine, which is neutral and non-polar, with methionine, which is neutral and non-polar, at codon 690 of the MEFV protein (p.Val690Met). This variant is present in population databases (no rsID available, gnomAD 0.003%). This variant has not been reported in the literature in individuals affected with MEFV-related conditions. An algorithm developed to predict the effect of missense changes on protein structure and function (PolyPhen-2) suggests that this variant is likely to be disruptive. In summary, the available evidence is currently insufficient to determine the role of this variant in disease. Therefore, it has been classified as a Variant of Uncertain Significance.